The following is an entry in ClinVar:

ClinVar aggregate classification (germline): Benign. Review status: criteria provided, multiple submitters, no conflicts (2 of 4 stars). 3 submissions from 3 submitters: Benign (3). Last evaluated 2024-07-31.

Allele frequency attached by ClinVar (database versions not stated): 1000 Genomes Project 0.72165; 1000 Genomes Project 30x 0.72783; gnomAD 0.77137 and 0.77508; TOPMed 0.77286.
gnomAD v4.1: 834,551 of 1,078,710 alleles (77%); highest among the groups gnomAD compares: Admixed American, 87%; 324,339 homozygotes.

Submissions (3):

Unidad de Genómica Garrahan, Hospital de Pediatría Garrahan
Classification: Benign. Last evaluated: 2024-07-31. Review status: criteria provided, single submitter. Criteria: ACMG Guidelines, 2015. Collection method: clinical testing. Allele origin: germline. Affected: no. Observed: 83 variant alleles.
Comment: This variant is classified as Benign based on local population frequency. This variant was detected in 89% of patients studied in a panel designed for Epileptic and Developmental Encephalopathy, Progressive Myoclonus Epilepsy and Abnormal Movements and Neurodegeneration with brain iron accumulation. Number of patients: 83. Only high quality variants are reported.

GeneDx
Classification: Benign. Last evaluated: 2021-03-15. Review status: criteria provided, single submitter. Criteria: GeneDx Variant Classification Process June 2021. Collection method: clinical testing. Allele origin: germline. Affected: yes.

Breakthrough Genomics
Classification: Benign. Review status: criteria provided, single submitter. Criteria: ACMG Guidelines, 2015. Collection method: not provided. Allele origin: germline. Inheritance: Autosomal recessive inheritance. Affected: yes.

NM_001082971.2(DDC):c.876+84G>A

Gene: DDC (dopa decarboxylase; minus strand). Cytogenetic location: 7p12.2.
Variant type: single nucleotide variant.
Coding change: c.876+84G>A on transcript NM_001082971.2 (MANE Select); 84 bases into the intron after coding-DNA position 876, G replaced by A.
Molecular consequence: intron variant.
Genome position (GRCh38, 1-based): chr7:50,499,064, C>T on the plus strand (G>A on the coding strand, the complement: DDC is on the minus strand). VCF-style: chr7-50499064-C-T. GRCh37 (hg19) VCF-style: chr7-50566762-C-T.
Other names: c.642+84G>A (NM_001242888.2); c.762+84G>A (NM_001242886.2); c.597+84G>A (NM_001242889.2); c.732+84G>A (NM_001242887.2); c.876+84G>A (NM_000790.4, NM_001242890.2).
Identifiers: ClinVar variation 1223308 (VCV001223308.6), dbSNP rs2876829, ClinGen allele CA12466972.